The following is an entry in ClinVar:

ClinVar aggregate classification (germline): Likely pathogenic (1 of 4 stars; one submission).

Conditions:
Roberts-SC phocomelia syndrome (RBS). Also called: Pseudothalidomide syndrome; Appelt-Gerken-Lenz syndrome; Hypomelia hypotrichosis facial hemangioma syndrome; LONG BONE DEFICIENCIES ASSOCIATED WITH CLEFT LIP-PALATE; ESCO2 Spectrum Disorder. Identifiers: Orphanet 3103, MedGen C0392475, MONDO:0100253, OMIM 268300.

Submission:

Natera, Inc.
Classification: Likely pathogenic for Roberts syndrome. Last evaluated: 2025-03-10. Review status: criteria provided, single submitter. Criteria: Natera Variant Classification Schema (03/2026). Collection method: clinical testing. Allele origin: germline.
Comment: The c.188_192delCTGAA variant in ESCO2 is a frameshift variant predicted to shift the reading frame beginning at codon 63 and leads to a stop codon 3 codons downstream. This variant is expected to result in nonsense mediated decay, truncation, or a dysfunctional protein product. This variant is rare in the general population with a frequency below the threshold expected for the associated phenotype(s). Given the available evidence, this variant is classified as Likely Pathogenic.

NM_001017420.3(ESCO2):c.188_192del (p.Thr63fs)

Gene: ESCO2 (establishment of sister chromatid cohesion N-acetyltransferase 2; plus strand). Cytogenetic location: 8p21.1.
Variant type: Deletion.
Coding change: c.188_192del on transcript NM_001017420.3 (MANE Select); coding-DNA positions 188 to 192, 5 bases deleted (CTGAA; older notation c.188_192delCTGAA).
Protein change: p.Thr63fs; shifts the reading frame from threonine 63.
Molecular consequence: frameshift variant.
Genome position (GRCh38, 1-based): chr8:27,776,496-27,776,500, CTGAA deleted; deleting any 5 consecutive bases within chr8:27,776,494-27,776,500 gives the same sequence; the c. name uses the placement nearest the transcript's 3' end. VCF-style (leftmost placement, unchanged base first): chr8-27776493-CAACTG-C. GRCh37 (hg19) VCF-style: chr8-27634010-CAACTG-C.
Other names: short protein forms T63fs.
Identifiers: ClinVar variation 4814528 (VCV004814528.1).